The following is an entry in ClinVar:

ClinVar aggregate classification (germline): Uncertain significance (1 of 4 stars; one submission).

Conditions:
Emery-Dreifuss muscular dystrophy 4, autosomal dominant (EDMD4). Also called: EMERY-DREIFUSS MUSCULAR DYSTROPHY 4 WITH VARIABLE FEATURES. Identifiers: Orphanet 261, MedGen C2751807, MONDO:0013071, OMIM 612998.
Autosomal recessive ataxia, Beauce type. Also called: Spinocerebellar ataxia, autosomal recessive 8; ATAXIA, RECESSIVE, OF BEAUCE; SYNE1-Related Autosomal Recessive Cerebellar Ataxia; SYNE1 Deficiency. Identifiers: Orphanet 88644, MedGen C1853116, MONDO:0012549, OMIM 610743.

Submission:

Labcorp Genetics (formerly Invitae), Labcorp
Classification: Uncertain significance for Emery-Dreifuss muscular dystrophy 4, autosomal dominant; Autosomal recessive ataxia, Beauce type. Last evaluated: 2024-03-27. Review status: criteria provided, single submitter. Criteria: Invitae Variant Classification Sherloc (09022015). Collection method: clinical testing. Allele origin: germline.
Comment: This sequence change replaces glutamine, which is neutral and polar, with glutamic acid, which is acidic and polar, at codon 5933 of the SYNE1 protein (p.Gln5933Glu). This variant is not present in population databases (gnomAD no frequency). This variant has not been reported in the literature in individuals affected with SYNE1-related conditions. An algorithm developed to predict the effect of missense changes on protein structure and function (PolyPhen-2) suggests that this variant is likely to be tolerated. In summary, the available evidence is currently insufficient to determine the role of this variant in disease. Therefore, it has been classified as a Variant of Uncertain Significance.

NM_182961.4(SYNE1):c.18010C>G (p.Gln6004Glu)

Gene: SYNE1 (spectrin repeat containing nuclear envelope protein 1; minus strand). Cytogenetic location: 6q25.2.
Variant type: single nucleotide variant.
Coding change: c.18010C>G on transcript NM_182961.4 (MANE Select); coding-DNA position 18010, C replaced by G.
Protein change: p.Gln6004Glu; replaces glutamine 6004 with glutamic acid.
Molecular consequence: missense variant.
Genome position (GRCh38, 1-based): chr6:152,293,590, G>C on the plus strand (C>G on the coding strand, the complement: SYNE1 is on the minus strand). VCF-style: chr6-152293590-G-C. GRCh37 (hg19) VCF-style: chr6-152614725-G-C.
Other names: c.17797C>G, p.Gln5933Glu (NM_033071.5); short protein forms Q5933E, Q6004E.
Identifiers: ClinVar variation 3755089 (VCV003755089.2).
Genomic context (GRCh38, chr6:152,293,590, plus strand): 5'-CAGTCACAACAGTGCCTTATTCAATCAAGTAGGAAACTGAAGTCATGGCTATTTGTACCT[G>C]ATGTTCAGCCATCTGGCTTTCTGGACTCCTGCCAGGCTCTGGGCTCTCACTGAGTTTCAG-3'
Protein context (NP_892006.3, residues 5994-6014): RSPESQMAEH[Gln6004Glu]ALMDEILMLQ